The following is an entry in ClinVar:

ClinVar aggregate classification (germline): Likely benign. Review status: reviewed by expert panel (3 of 4 stars). 10 submissions from 10 submitters: Likely benign (1). 9 of the submissions do not count toward it. Last evaluated 2017-06-29.

Conditions:
Hereditary cancer-predisposing syndrome. Also called: Tumor predisposition; Hereditary neoplastic syndrome; Hereditary Cancer Syndrome; Neoplastic Syndromes, Hereditary. Identifiers: Orphanet 140162, MedGen C0027672, MeSH D009386, MONDO:0015356.
Hereditary breast ovarian cancer syndrome. Also called: Hereditary breast and/or ovarian cancer syndrome; Breast and ovarian cancer; Hereditary breast and ovarian cancer syndrome; Hereditary breast and ovarian cancer; Hereditary breast and ovarian cancer syndrome (HBOC); BRCA1- and BRCA2-Associated Hereditary Breast and Ovarian Cancer. Identifiers: Orphanet 145, MedGen C0677776, MeSH D061325, MONDO:0003582. Disease mechanism: loss of function.
Breast-ovarian cancer, familial, susceptibility to, 1 (BROVCA1). Also called: BRCA1 Hereditary Breast and Ovarian Cancer; OVARIAN CANCER, SUSCEPTIBILITY TO. Identifiers: Orphanet 145, MedGen C2676676, MONDO:0011450, OMIM 604370. Disease mechanism: loss of function.

Allele frequency attached by ClinVar (database versions not stated): gnomAD exomes 0.00001 and 0.00007; gnomAD 0.00002; TOPMed 0.00003; ESP Exome Variant Server 0.00008.
gnomAD v4.1: 104 of 1,614,066 alleles (0.0064%); highest among the groups gnomAD compares: Non-Finnish European, 0.0088%; no homozygotes.

Submissions (10):

Evidence-based Network for the Interpretation of Germline Mutant Alleles (ENIGMA)
Classification: Likely benign for Breast-ovarian cancer, familial, susceptibility to, 1. Last evaluated: 2017-06-29. Review status: reviewed by expert panel. Criteria: ENIGMA BRCA1/2 Classification Criteria (2017-06-29). Collection method: curation. Allele origin: germline.
Comment: Synonymous substitution variant, with low bioinformatic likelihood to result in a splicing aberration (Splicing prior probability 0.02).

Labcorp Genetics (formerly Invitae), Labcorp
Classification: Likely benign for Hereditary breast ovarian cancer syndrome. Last evaluated: 2026-01-02. Review status: criteria provided, single submitter. Criteria: Invitae Variant Classification Sherloc (09022015). Collection method: clinical testing. Allele origin: germline. Not counted in ClinVar's aggregate classification.

ARUP Laboratories, Molecular Genetics and Genomics, ARUP Laboratories
Classification: Likely benign. Last evaluated: 2024-07-01. Review status: criteria provided, single submitter. Criteria: ARUP Molecular Germline Variant Investigation Process 2024. Collection method: clinical testing. Allele origin: germline. Not counted in ClinVar's aggregate classification.

All of Us Research Program, National Institutes of Health
Classification: Likely benign for Breast-ovarian cancer, familial, susceptibility to, 1. Last evaluated: 2023-12-13. Review status: criteria provided, single submitter. Criteria: ACMG Guidelines, 2015. Collection method: clinical testing. Allele origin: germline. Inheritance: Autosomal dominant inheritance. Observed: 7 variant alleles, 7 heterozygotes. Not counted in ClinVar's aggregate classification.
Comment: This study involves interpretation of variants in research participants for the purpose of population health screening. Participant phenotype was not available at the time of variant classification. Additional details can be found in publication PMID: 35346344, PMCID: PMC8962531

Quest Diagnostics Nichols Institute San Juan Capistrano
Classification: Benign. Last evaluated: 2023-05-26. Review status: criteria provided, single submitter. Criteria: Quest Diagnostics criteria. Collection method: clinical testing. Allele origin: unknown. Not counted in ClinVar's aggregate classification.

Women's Health and Genetics/Laboratory Corporation of America, LabCorp
Classification: Likely benign. Last evaluated: 2019-02-22. Review status: criteria provided, single submitter. Criteria: LabCorp Variant Classification Summary - May 2015. Collection method: clinical testing. Allele origin: germline. Not counted in ClinVar's aggregate classification.
Comment: Variant summary: The variant, BRCA1 c.3636A>G alters a non-conserved nucleotide resulting in a synonymous change. 5/5 computational tools predict no significant impact on normal splicing. However, these predictions have yet to be confirmed by functional studies. The variant allele was found at a frequency of 8.1e-06 in 246060 control chromosomes (gnomAD). The available data on variant occurrences in the general population are insufficient to allow any conclusion about variant significance. The variant, c.3636A>G has been reported in the literature in individuals affected with breast and ovarian cancer (Judkins_2005, Anczukow_2008). These reports however do not provide unequivocal conclusions about association of the variant with Hereditary Breast and Ovarian Cancer. In our internal database, co-occurrence with another pathogenic variant has been reported (CHEK2 c.1368dupA, p.Glu457fsX33) for this variant, providing supporting evidence for a benign role. A functional study using minigene assay reports that it was one of the variants that did not dramatically alter splicing through disruption of an ESE (Anczukow_2008). The exact extent of functional impairment was not provided in the study. Three clinical diagnostic laboratories have submitted clinical-significance assessments for this variant to ClinVar after 2014 without evidence for independent evaluation and have classified the variant as likely benign. Based on the evidence outlined above, the variant was classified likely benign.

Color Diagnostics, LLC DBA Color Health
Classification: Likely benign for Hereditary cancer-predisposing syndrome. Last evaluated: 2016-08-15. Review status: criteria provided, single submitter. Criteria: ACMG Guidelines, 2015. Collection method: clinical testing. Allele origin: germline. Not counted in ClinVar's aggregate classification.

Ambry Genetics
Classification: Likely benign for Hereditary cancer-predisposing syndrome. Last evaluated: 2014-10-08. Review status: criteria provided, single submitter. Criteria: Ambry Variant Classification Scheme 2023. Collection method: clinical testing. Allele origin: germline. Not counted in ClinVar's aggregate classification.

GeneDx
Classification: Benign. Last evaluated: 2014-02-24. Review status: criteria provided, single submitter. Criteria: GeneDx Variant Classification (06012015). Collection method: clinical testing. Allele origin: germline. Affected: yes. Not counted in ClinVar's aggregate classification.
Comment: This variant is considered likely benign or benign based on one or more of the following criteria: it is a conservative change, it occurs at a poorly conserved position in the protein, it is predicted to be benign by multiple in silico algorithms, and/or has population frequency not consistent with disease.

Department of Pathology and Laboratory Medicine, Sinai Health System
Classification: Uncertain significance. Review status: no assertion criteria provided. Collection method: clinical testing. Allele origin: unknown. Affected: yes. Observed: 1 variant allele. Study: The Canadian Open Genetics Repository (COGR). Not counted in ClinVar's aggregate classification.

Literature cited by the submitters: PubMed 18273839 (cited by Quest Diagnostics Nichols Institute San Juan Capistrano and Women's Health and Genetics/Laboratory Corporation of America, LabCorp); PubMed 16267036 (cited by Quest Diagnostics Nichols Institute San Juan Capistrano and Women's Health and Genetics/Laboratory Corporation of America, LabCorp); PubMed 23893897 (cited by Quest Diagnostics Nichols Institute San Juan Capistrano and Women's Health and Genetics/Laboratory Corporation of America, LabCorp).

NM_007294.4(BRCA1):c.3636A>G (p.Ser1212=)

Genes: BRCA1 (BRCA1 DNA repair associated; minus strand), LOC126862571 (BRD4-independent group 4 enhancer GRCh37_chr17:41243136-41244335; plus strand). Cytogenetic location: 17q21.31.
Variant type: single nucleotide variant.
Coding change: c.3636A>G on transcript NM_007294.4 (MANE Select); coding-DNA position 3636, A replaced by G.
Protein change: p.Ser1212=; no amino-acid change (serine 1212 retained).
Molecular consequence: synonymous variant. On other transcripts: intron variant (135).
Genome position (GRCh38, 1-based): chr17:43,091,895, T>C on the plus strand (A>G on the coding strand, the complement: BRCA1 is on the minus strand). VCF-style: chr17-43091895-T-C. GRCh37 (hg19) VCF-style: chr17-41243912-T-C.
Other names: p.S1212S:TCA>TCG; c.3423A>G, p.Ser1141= (NM_001407571.1, NM_001407853.1, NM_001407894.1 and 9 more transcripts); c.3636A>G, p.Ser1212= (NM_001407581.1, NM_001407582.1, NM_001407583.1 and 30 more transcripts); c.3633A>G, p.Ser1211= (NM_001407587.1, NM_001407590.1, NM_001407591.1 and 22 more transcripts); c.3627A>G, p.Ser1209= (NM_001407646.1, NM_001407647.1); c.3513A>G, p.Ser1171= (NM_001407648.1, NM_001407664.1, NM_001407665.1 and 19 more transcripts); c.3510A>G, p.Ser1170= (NM_001407649.1, NM_001407670.1, NM_001407671.1 and 11 more transcripts); c.3558A>G, p.Ser1186= (NM_001407653.1, NM_001407654.1, NM_001407655.1 and 4 more transcripts); and 42 more.
Identifiers: ClinVar variation 136544 (VCV000136544.31), dbSNP rs148038877, ClinGen allele CA002326.